The following is an entry in ClinVar:

ClinVar aggregate classification (germline): Uncertain significance (1 of 4 stars; one submission).

Conditions:
Immunodeficiency 51 (IMD51). Also called: CANDIDIASIS, FAMILIAL, 5. Identifiers: Orphanet 1334, MedGen C4310803, MONDO:0013500, OMIM 613953.

gnomAD v4.1: 5 of 1,603,180 alleles (0.00031%); highest among the groups gnomAD compares: Admixed American, 0.0084%; no homozygotes.

Submission:

Labcorp Genetics (formerly Invitae), Labcorp
Classification: Uncertain significance for Immunodeficiency 51. Last evaluated: 2022-03-21. Review status: criteria provided, single submitter. Criteria: Invitae Variant Classification Sherloc (09022015). Collection method: clinical testing. Allele origin: germline.
Comment: Algorithms developed to predict the effect of missense changes on protein structure and function are either unavailable or do not agree on the potential impact of this missense change (SIFT: "Tolerated"; PolyPhen-2: "Probably Damaging"; Align-GVGD: "Class C0"). This sequence change replaces leucine, which is neutral and non-polar, with phenylalanine, which is neutral and non-polar, at codon 590 of the IL17RA protein (p.Leu590Phe). This variant is present in population databases (no rsID available, gnomAD 0.01%). This variant has not been reported in the literature in individuals affected with IL17RA-related conditions. In summary, the available evidence is currently insufficient to determine the role of this variant in disease. Therefore, it has been classified as a Variant of Uncertain Significance.

NM_014339.7(IL17RA):c.1768C>T (p.Leu590Phe)

Gene: IL17RA (interleukin 17 receptor A; plus strand). Cytogenetic location: 22q11.1.
Variant type: single nucleotide variant.
Coding change: c.1768C>T on transcript NM_014339.7 (MANE Select); coding-DNA position 1768, C replaced by T.
Protein change: p.Leu590Phe; replaces leucine 590 with phenylalanine.
Molecular consequence: missense variant.
Genome position (GRCh38, 1-based): chr22:17,108,987, C>T. VCF-style: chr22-17108987-C-T. GRCh37 (hg19) VCF-style: chr22-17589877-C-T.
Other names: c.1666C>T, p.Leu556Phe (NM_001289905.2); short protein forms L590F, L556F.
Identifiers: ClinVar variation 1974138 (VCV001974138.4), dbSNP rs372238432, ClinGen allele CA410218857.